The following is an entry in ClinVar:

NM_004985.5(KRAS):c.487A>G (p.Ile163Val)

Gene: KRAS (KRas proto-oncogene, GTPase; minus strand). Cytogenetic location: 12p12.1.
Variant type: single nucleotide variant.
Coding change: c.487A>G on transcript NM_004985.5 (MANE Select); coding-DNA position 487, A replaced by G.
Protein change: p.Ile163Val; replaces isoleucine 163 with valine.
Molecular consequence: missense variant. On other transcripts: 3 prime UTR variant (2).
Genome position (GRCh38, 1-based): chr12:25,209,875, T>C on the plus strand (A>G on the coding strand, the complement: KRAS is on the minus strand). VCF-style: chr12-25209875-T-C. GRCh37 (hg19) VCF-style: chr12-25362809-T-C.
Other names: c.*41A>G (NM_001369786.1, NM_033360.4); c.487A>G, p.Ile163Val (NM_001369787.1); short protein forms I163V.
Identifiers: ClinVar variation 935432 (VCV000935432.11), dbSNP rs1470495974, ClinGen allele CA384148467.

ClinVar aggregate classification (germline): Uncertain significance. Review status: criteria provided, multiple submitters, no conflicts (2 of 4 stars). 3 submissions from 3 submitters: Uncertain significance (3). Last evaluated 2024-04-10.

Conditions:
RASopathy. Also called: Noonan spectrum disorder; rasopathies. Identifiers: Orphanet 536391, MedGen C5555857, MONDO:0021060.
Lung cancer. Also called: Malignant tumor of lung; Lung cancer, somatic. Identifiers: MedGen C0242379, MONDO:0008903, OMIM 211980.
Familial cancer of breast. Also called: Hereditary breast cancer; BREAST CANCER, FAMILIAL; hereditary breast carcinoma. Identifiers: Orphanet 227535, MedGen C0346153, MONDO:0016419, OMIM 114480. Disease mechanism: loss of function.
Linear nevus sebaceous syndrome. Also called: Linear sebaceous nevus sequence; JADASSOHN NEVUS PHAKOMATOSIS; NEVUS SEBACEUS OF JADASSOHN; ORGANOID NEVUS PHAKOMATOSIS; SFM SYNDROME; Sebaceous nevus syndrome and hemimegalencephaly. Identifiers: Orphanet 2612, MedGen C4552097, MONDO:0008097, OMIM 163200, HP:0010817.
Toriello-Lacassie-Droste syndrome. Identifiers: Orphanet 3339, MedGen C1838329, MONDO:0010854, OMIM 600268.
Cerebral arteriovenous malformation (BAVM). Also called: Arteriovenous malformations of the brain; CEREBRAL ARTERIOVENOUS MALFORMATIONS. Identifiers: Orphanet 46724, MedGen C0917804, MONDO:0007154, OMIM 108010, HP:0002408.
Malignant tumor of urinary bladder. Also called: Bladder cancer; Urinary bladder cancer; Urinary Bladder Neoplasms. Identifiers: MedGen C0005684, MONDO:0001187, OMIM 109800.
Autoimmune lymphoproliferative syndrome type 4. Also called: RAS-associated autoimmune leukoproliferative disorder; AUTOIMMUNE LYMPHOPROLIFERATIVE SYNDROME, TYPE IV. Identifiers: Orphanet 268114, MedGen C2674723, MONDO:0013767, OMIM 614470.
Cardiofaciocutaneous syndrome 2 (CFC2). Also called: KRAS-Related Cardiofaciocutaneous Syndrome. Identifiers: Orphanet 1340, MedGen C3809005, MONDO:0014112, OMIM 615278.
Familial pancreatic carcinoma. Identifiers: Orphanet 1333, MedGen C2931038, MONDO:0015278, OMIM 260350.
Acute myeloid leukemia (AML). Also called: Acute myeloid leukemia, adult; AML adult; Acute non-lymphocytic leukemia; Acute granulocytic leukemia; Leukemia, acute myelogenous, somatic; Leukemia, acute myeloid, somatic. Identifiers: Orphanet 519, MedGen C0023467, MeSH D015470, MONDO:0018874, OMIM 601626, HP:0004808. Disease mechanism: Constitutively activated FLT3.
Noonan syndrome 3 (NS3). Also called: KRAS-Related Noonan Syndrome. Identifiers: Orphanet 648, MedGen C1860991, MONDO:0012371, OMIM 609942.
Gastric cancer. Also called: Stomach cancer; Malignant tumor of stomach. Identifiers: MedGen C0024623, MeSH D013274, MONDO:0001056, OMIM 613659, HP:0012126.

Allele frequency attached by ClinVar (database versions not stated): gnomAD exomes below 0.00001 and 0.00001; gnomAD 0.00001; TOPMed 0.00001.
gnomAD v4.1: 22 of 1,611,282 alleles (0.0014%); highest among the groups gnomAD compares: Non-Finnish European, 0.0017%; no homozygotes.

Submissions (3):

Fulgent Genetics
Classification: Uncertain significance for Cerebral arteriovenous malformation; Malignant tumor of urinary bladder; Familial cancer of breast; Linear nevus sebaceous syndrome; Lung cancer; Familial pancreatic carcinoma; Toriello-Lacassie-Droste syndrome; Acute myeloid leukemia; Noonan syndrome 3; Gastric cancer; Autoimmune lymphoproliferative syndrome type 4; Cardiofaciocutaneous syndrome 2. Last evaluated: 2024-04-10. Review status: criteria provided, single submitter. Criteria: ACMG Guidelines, 2015. Collection method: clinical testing. Allele origin: germline.

Blueprint Genetics
Classification: Uncertain significance. Last evaluated: 2022-11-22. Review status: criteria provided, single submitter. Criteria: ACMG Guidelines, 2015. Collection method: clinical testing. Allele origin: germline.

Labcorp Genetics (formerly Invitae), Labcorp
Classification: Uncertain significance for RASopathy. Last evaluated: 2021-06-22. Review status: criteria provided, single submitter. Criteria: Invitae Variant Classification Sherloc (09022015). Collection method: clinical testing. Allele origin: germline.
Comment: This sequence change replaces isoleucine with valine at codon 163 of the KRAS protein (p.Ile163Val). The isoleucine residue is highly conserved and there is a small physicochemical difference between isoleucine and valine. This variant is not present in population databases (ExAC no frequency). This variant has not been reported in the literature in individuals with KRAS-related conditions. Algorithms developed to predict the effect of missense changes on protein structure and function are either unavailable or do not agree on the potential impact of this missense change (SIFT: "Deleterious"; PolyPhen-2: "Benign"; Align-GVGD: "Class C25"). In summary, the available evidence is currently insufficient to determine the role of this variant in disease. Therefore, it has been classified as a Variant of Uncertain Significance.